The following is an entry in ClinVar:

NM_001042492.3(NF1):c.911G>T (p.Arg304Leu)

Gene: NF1 (neurofibromin 1; plus strand). Cytogenetic location: 17q11.2.
Variant type: single nucleotide variant.
Coding change: c.911G>T on transcript NM_001042492.3 (MANE Select); coding-DNA position 911, G replaced by T.
Protein change: p.Arg304Leu; replaces arginine 304 with leucine.
Molecular consequence: missense variant.
Genome position (GRCh38, 1-based): chr17:31,200,444, G>T. VCF-style: chr17-31200444-G-T. GRCh37 (hg19) VCF-style: chr17-29527462-G-T.
Other names: c.911G>T, p.Arg304Leu (NM_000267.4, NM_001128147.3); short protein forms R304L.
Identifiers: ClinVar variation 837075 (VCV000837075.8), dbSNP rs76015786, ClinGen allele CA398995575.

ClinVar aggregate classification (germline): Uncertain significance (1 of 4 stars; one submission).

Conditions:
Neurofibromatosis, type 1 (NF1). Also called: Peripheral type neurofibromatosis; Neurofibromatosis, type I; VON RECKLINGHAUSEN DISEASE; NEUROFIBROMATOSIS, TYPE I, SOMATIC. Identifiers: Orphanet 636, MedGen C0027831, MONDO:0018975, OMIM 162200. Disease mechanism: loss of function.

Submission:

Labcorp Genetics (formerly Invitae), Labcorp
Classification: Uncertain significance for Neurofibromatosis, type 1. Last evaluated: 2019-12-17. Review status: criteria provided, single submitter. Criteria: Invitae Variant Classification Sherloc (09022015). Collection method: clinical testing. Allele origin: germline.
Comment: In summary, the available evidence is currently insufficient to determine the role of this variant in disease. Therefore, it has been classified as a Variant of Uncertain Significance. Algorithms developed to predict the effect of missense changes on protein structure and function (SIFT, PolyPhen-2, Align-GVGD) all suggest that this variant is likely to be tolerated, but these predictions have not been confirmed by published functional studies and their clinical significance is uncertain. This variant has not been reported in the literature in individuals with NF1-related conditions. This variant is not present in population databases (ExAC no frequency). This sequence change replaces arginine with leucine at codon 304 of the NF1 protein (p.Arg304Leu). The arginine residue is highly conserved and there is a moderate physicochemical difference between arginine and leucine.